The following is an entry in ClinVar:

ClinVar aggregate classification (germline): Benign. Review status: criteria provided, single submitter (1 of 4 stars). 2 submissions from 2 submitters: Benign (1). 1 of the submissions does not count toward it. Last evaluated 2025-07-03.

Conditions:
AGT-related disorder. Also called: AGT-related condition.

Allele frequency attached by ClinVar (database versions not stated): gnomAD exomes 0.00007; ESP Exome Variant Server 0.00008; gnomAD 0.00008; TOPMed 0.00014; ExAC 0.00029.
gnomAD v4.1: 126 of 1,614,072 alleles (0.0078%); highest among the groups gnomAD compares: East Asian, 0.18%; no homozygotes.

Submissions (2):

Labcorp Genetics (formerly Invitae), Labcorp
Classification: Benign. Last evaluated: 2025-07-03. Review status: criteria provided, single submitter. Criteria: Invitae Variant Classification Sherloc (09022015). Collection method: clinical testing. Allele origin: germline.

PreventionGenetics, part of Exact Sciences
Classification: Likely benign for AGT-related condition. Last evaluated: 2019-08-29. Review status: no assertion criteria provided. Collection method: clinical testing. Allele origin: germline. Not counted in ClinVar's aggregate classification.
Comment: This variant is classified as likely benign based on ACMG/AMP sequence variant interpretation guidelines (Richards et al. 2015 PMID: 25741868, with internal and published modifications).

NM_001384479.1(AGT):c.351C>T (p.Gly117=)

Gene: AGT (angiotensinogen; minus strand). Cytogenetic location: 1q42.2.
Variant type: single nucleotide variant.
Coding change: c.351C>T on transcript NM_001384479.1 (MANE Select); coding-DNA position 351, C replaced by T.
Protein change: p.Gly117=; no amino-acid change (glycine 117 retained).
Molecular consequence: synonymous variant.
Genome position (GRCh38, 1-based): chr1:230,710,473, G>A on the plus strand (C>T on the coding strand, the complement: AGT is on the minus strand). VCF-style: chr1-230710473-G-A. GRCh37 (hg19) VCF-style: chr1-230846219-G-A.
Other names: NM_000029.3:c.378C>T; c.351C>T, p.Gly117= (NM_001382817.3).
Identifiers: ClinVar variation 2044138 (VCV002044138.6), dbSNP rs143232180, ClinGen allele CA1448319.